The following is an entry in ClinVar:

NM_007294.4(BRCA1):c.914G>T (p.Cys305Phe)

Gene: BRCA1 (BRCA1 DNA repair associated; minus strand). Cytogenetic location: 17q21.31.
Variant type: single nucleotide variant.
Coding change: c.914G>T on transcript NM_007294.4 (MANE Select); coding-DNA position 914, G replaced by T.
Protein change: p.Cys305Phe; replaces cysteine 305 with phenylalanine.
Molecular consequence: missense variant. On other transcripts: intron variant (137).
Genome position (GRCh38, 1-based): chr17:43,094,617, C>A on the plus strand (G>T on the coding strand, the complement: BRCA1 is on the minus strand). VCF-style: chr17-43094617-C-A. GRCh37 (hg19) VCF-style: chr17-41246634-C-A.
Other names: c.773G>T, p.Cys258Phe (NM_001407731.1, NM_001407732.1, NM_001407733.1 and 29 more transcripts); c.770G>T, p.Cys257Phe (NM_001407740.1, NM_001407741.1, NM_001407742.1 and 20 more transcripts); c.701G>T, p.Cys234Phe (NM_001407571.1, NM_001407853.1, NM_001407894.1 and 9 more transcripts); c.914G>T, p.Cys305Phe (NM_001407581.1, NM_001407582.1, NM_001407583.1 and 30 more transcripts); c.911G>T, p.Cys304Phe (NM_001407587.1, NM_001407590.1, NM_001407591.1 and 22 more transcripts); c.713G>T, p.Cys238Phe (NM_001407862.1); c.791G>T, p.Cys264Phe (NM_001407863.1, NM_001407919.1, NM_001407648.1 and 19 more transcripts); c.710G>T, p.Cys237Phe (NM_001407874.1, NM_001407875.1); and 40 more; short protein forms C305F, C258F, C177F, C194F, C217F, C238F, C278F, C304F.
Identifiers: ClinVar variation 823049 (VCV000823049.16), dbSNP rs751124745, ClinGen allele CA056901.

ClinVar aggregate classification (germline): Conflicting classifications of pathogenicity. Review status: criteria provided, conflicting classifications (1 of 4 stars). 3 submissions from 3 submitters: Uncertain significance (2); Likely benign (1). Last evaluated 2025-06-03.

Conditions:
Hereditary cancer-predisposing syndrome. Also called: Tumor predisposition; Hereditary Cancer Syndrome; Neoplastic Syndromes, Hereditary; Hereditary neoplastic syndrome. Identifiers: Orphanet 140162, MedGen C0027672, MeSH D009386, MONDO:0015356.
Hereditary breast ovarian cancer syndrome. Also called: Hereditary breast and ovarian cancer; Breast and ovarian cancer; Hereditary breast and/or ovarian cancer syndrome; Hereditary breast and ovarian cancer syndrome; BRCA1- and BRCA2-Associated Hereditary Breast and Ovarian Cancer; Hereditary breast and ovarian cancer syndrome (HBOC). Identifiers: Orphanet 145, MedGen C0677776, MeSH D061325, MONDO:0003582. Disease mechanism: loss of function.

Allele frequency attached by ClinVar (database versions not stated): gnomAD exomes 0.00001; ExAC 0.00002.
gnomAD v4.1: 11 of 1,614,146 alleles (0.00068%); highest among the groups gnomAD compares: Non-Finnish European, 0.00085%; no homozygotes.

Submissions (3):

Labcorp Genetics (formerly Invitae), Labcorp
Classification: Uncertain significance for Hereditary breast ovarian cancer syndrome. Last evaluated: 2025-06-03. Review status: criteria provided, single submitter. Criteria: Invitae Variant Classification Sherloc (09022015). Collection method: clinical testing. Allele origin: germline.
Comment: This sequence change replaces cysteine, which is neutral and slightly polar, with phenylalanine, which is neutral and non-polar, at codon 305 of the BRCA1 protein (p.Cys305Phe). This variant is present in population databases (rs751124745, gnomAD 0.002%). This missense change has been observed in individual(s) with breast and/or ovarian cancer (PMID: 11199332). ClinVar contains an entry for this variant (Variation ID: 823049). Invitae Evidence Modeling of protein sequence and biophysical properties (such as structural, functional, and spatial information, amino acid conservation, physicochemical variation, residue mobility, and thermodynamic stability) indicates that this missense variant is expected to disrupt BRCA1 protein function with a positive predictive value of 80%. In summary, the available evidence is currently insufficient to determine the role of this variant in disease. Therefore, it has been classified as a Variant of Uncertain Significance.

Ambry Genetics
Classification: Uncertain significance for Hereditary cancer-predisposing syndrome. Last evaluated: 2023-07-10. Review status: criteria provided, single submitter. Criteria: Ambry Variant Classification Scheme 2023. Collection method: clinical testing. Allele origin: germline.
Comment: The p.C305F variant (also known as c.914G>T), located in coding exon 9 of the BRCA1 gene, results from a G to T substitution at nucleotide position 914. The cysteine at codon 305 is replaced by phenylalanine, an amino acid with highly dissimilar properties. This amino acid position is well conserved in available vertebrate species. In addition, this alteration is predicted to be deleterious by in silico analysis. Since supporting evidence is limited at this time, the clinical significance of this alteration remains unclear.

University of Washington Department of Laboratory Medicine, University of Washington
Classification: Likely benign for Hereditary cancer-predisposing syndrome. Last evaluated: 2023-03-23. Review status: criteria provided, single submitter. Criteria: Dines et al. (Genet Med. 2020). Collection method: curation. Allele origin: germline.
Comment: Missense variant in a coldspot region where missense variants are very unlikely to be pathogenic (PMID:31911673).

BRCA1 coldspot (exon 11 using historical exon numbering). Reclassification based on statistical prior probability

Literature cited by the submitters: PubMed 11199332 (cited by Labcorp Genetics (formerly Invitae), Labcorp).